The following is an entry in ClinVar:

NM_000393.5(COL5A2):c.391C>T (p.Pro131Ser)

Gene: COL5A2 (collagen type V alpha 2 chain; minus strand). Cytogenetic location: 2q32.2.
Variant type: single nucleotide variant.
Coding change: c.391C>T on transcript NM_000393.5 (MANE Select); coding-DNA position 391, C replaced by T.
Protein change: p.Pro131Ser; replaces proline 131 with serine.
Molecular consequence: missense variant.
Genome position (GRCh38, 1-based): chr2:189,098,738, G>A on the plus strand (C>T on the coding strand, the complement: COL5A2 is on the minus strand). VCF-style: chr2-189098738-G-A. GRCh37 (hg19) VCF-style: chr2-189963464-G-A.
Other names: short protein forms P131S.
Identifiers: ClinVar variation 5009680 (VCV005009680.1).

ClinVar aggregate classification (germline): Uncertain significance (1 of 4 stars; one submission).

Submission:

GeneDx
Classification: Uncertain significance. Last evaluated: 2026-02-14. Review status: criteria provided, single submitter. Criteria: GeneDx Variant Classification Process June 2021. Collection method: clinical testing. Allele origin: germline.
Comment: Not observed at significant frequency in large population cohorts (gnomAD); In silico analysis supports that this missense variant has a deleterious effect on protein structure/function; Has not been previously published as pathogenic or benign to our knowledge; This variant is associated with the following publications: (PMID: 22696272)